The following is an entry in ClinVar:

ClinVar aggregate classification (germline): Uncertain significance. Review status: criteria provided, multiple submitters, no conflicts (2 of 4 stars). 2 submissions from 2 submitters: Uncertain significance (2). Last evaluated 2025-11-10.

Allele frequency attached by ClinVar (database versions not stated): TOPMed 0.00006.
gnomAD v4.1: 20 of 1,613,686 alleles (0.0012%); highest among the groups gnomAD compares: Admixed American, 0.012%; no homozygotes.

Submissions (2):

Labcorp Genetics (formerly Invitae), Labcorp
Classification: Uncertain significance. Last evaluated: 2025-11-10. Review status: criteria provided, single submitter. Criteria: Invitae Variant Classification Sherloc (09022015). Collection method: clinical testing. Allele origin: germline.
Comment: This sequence change replaces arginine, which is basic and polar, with histidine, which is basic and polar, at codon 617 of the CLCN6 protein (p.Arg617His). This variant is present in population databases (no rsID available, gnomAD 0.02%). This variant has not been reported in the literature in individuals affected with CLCN6-related conditions. ClinVar contains an entry for this variant (Variation ID: 1486942). An algorithm developed to predict the effect of missense changes on protein structure and function (PolyPhen-2) suggests that this variant is likely to be disruptive. In summary, the available evidence is currently insufficient to determine the role of this variant in disease. Therefore, it has been classified as a Variant of Uncertain Significance.

Ambry Genetics
Classification: Uncertain significance. Last evaluated: 2024-12-16. Review status: criteria provided, single submitter. Criteria: Ambry Variant Classification Scheme 2023. Collection method: clinical testing. Allele origin: germline.

NM_001286.5(CLCN6):c.1850G>A (p.Arg617His)

Gene: CLCN6 (chloride voltage-gated channel 6; plus strand). Cytogenetic location: 1p36.22.
Variant type: single nucleotide variant.
Coding change: c.1850G>A on transcript NM_001286.5 (MANE Select); coding-DNA position 1850, G replaced by A.
Protein change: p.Arg617His; replaces arginine 617 with histidine.
Molecular consequence: missense variant. On other transcripts: non-coding transcript variant (1).
Genome position (GRCh38, 1-based): chr1:11,836,023, G>A. VCF-style: chr1-11836023-G-A. GRCh37 (hg19) VCF-style: chr1-11896080-G-A.
Other names: c.1784G>A, p.Arg595His (NM_001256959.2); c.1850G>A (NM_001286.2); short protein forms R595H, R617H.
Identifiers: ClinVar variation 1486942 (VCV001486942.7), dbSNP rs1047108702, ClinGen allele CA18003638.